The following is an entry in ClinVar:

NM_024809.5(TCTN2):c.1033+1G>A

Gene: TCTN2 (tectonic family member 2; plus strand). Cytogenetic location: 12q24.31.
Variant type: single nucleotide variant.
Coding change: c.1033+1G>A on transcript NM_024809.5 (MANE Select); the canonical splice donor site of the intron after coding-DNA position 1033, G replaced by A.
Molecular consequence: splice donor variant.
Genome position (GRCh38, 1-based): chr12:123,690,675, G>A. VCF-style: chr12-123690675-G-A. GRCh37 (hg19) VCF-style: chr12-124175222-G-A.
Other names: c.1033+1G>A (NM_001410989.1); c.1030+1G>A (NM_001143850.3).
Identifiers: ClinVar variation 1995747 (VCV001995747.4), dbSNP rs1956031029, ClinGen allele CA387140357.

ClinVar aggregate classification (germline): Likely pathogenic (1 of 4 stars; one submission).

Conditions:
Joubert syndrome. Also called: CEREBELLOPARENCHYMAL DISORDER IV; JOUBERT-BOLTSHAUSER SYNDROME; Familial aplasia of the vermis. Identifiers: Orphanet 475, MedGen C5979921, MONDO:0018772.
Meckel-Gruber syndrome. Also called: DYSENCEPHALIA SPLANCHNOCYSTICA; GRUBER SYNDROME; Dysencephalia splachnocystica. Identifiers: Orphanet 564, MedGen C0265215, MONDO:0018921.

Allele frequency attached by ClinVar (database versions not stated): gnomAD exomes below 0.00001.
gnomAD v4.1: 2 of 1,613,946 alleles (0.00012%); highest among the groups gnomAD compares: South Asian, 0.0011%; no homozygotes.

Submission:

Labcorp Genetics (formerly Invitae), Labcorp
Classification: Likely pathogenic for Joubert syndrome; Meckel-Gruber syndrome. Last evaluated: 2022-05-17. Review status: criteria provided, single submitter. Criteria: Invitae Variant Classification Sherloc (09022015). Collection method: clinical testing. Allele origin: germline.
Comment: This sequence change affects a donor splice site in intron 8 of the TCTN2 gene. It is expected to disrupt RNA splicing. Variants that disrupt the donor or acceptor splice site typically lead to a loss of protein function (PMID: 16199547), and loss-of-function variants in TCTN2 are known to be pathogenic (PMID: 21565611). In summary, the currently available evidence indicates that the variant is pathogenic, but additional data are needed to prove that conclusively. Therefore, this variant has been classified as Likely Pathogenic. Algorithms developed to predict the effect of sequence changes on RNA splicing suggest that this variant may disrupt the consensus splice site. This variant is not present in population databases (gnomAD no frequency). This variant has not been reported in the literature in individuals affected with TCTN2-related conditions.

Literature cited by the submitters: PubMed 16199547; PubMed 21565611.